The following is an entry in ClinVar:

NM_002495.4(NDUFS4):c.99-1G>A

Gene: NDUFS4 (NADH:ubiquinone oxidoreductase subunit S4; plus strand). Cytogenetic location: 5q11.2.
Variant type: single nucleotide variant.
Coding change: c.99-1G>A on transcript NM_002495.4 (MANE Select); the canonical splice acceptor site of the intron before coding-DNA position 99, G replaced by A.
Molecular consequence: splice acceptor variant.
Genome position (GRCh38, 1-based): chr5:53,603,451, G>A. VCF-style: chr5-53603451-G-A. GRCh37 (hg19) VCF-style: chr5-52899281-G-A.
Other names: IVS1AS, G-A, -1; c.99-1G>A (NM_001318051.2).
Identifiers: ClinVar variation 496165 (VCV000496165.18), dbSNP rs376281345, ClinGen allele CA3264179.
Genomic context (GRCh38, chr5:53,603,451, plus strand): 5'-ATTTGTCTGTCTCTCCTCTCATTGCCTGGATCCTTTTTTAACTTAAAGTCTTGCACTGCA[G>A]GTCGTTGAGGACTTCCACATGGAGATTGGCACAGGACCAGACTCAAGACACACAACTCAT-3'

ClinVar aggregate classification (germline): Pathogenic. Review status: criteria provided, multiple submitters, no conflicts (2 of 4 stars). 9 submissions from 9 submitters: Pathogenic (8). 1 of the submissions does not count toward it. Last evaluated 2026-01-26.

Conditions:
Mitochondrial complex I deficiency, nuclear type 1. Also called: NADH-COENZYME Q REDUCTASE DEFICIENCY; MITOCHONDRIAL NADH DEHYDROGENASE COMPONENT OF COMPLEX I, DEFICIENCY OF. Identifiers: MedGen C6022305, MONDO:0100224, OMIM 252010.
NDUFS4-related disorders.
Mitochondrial disease. Also called: Mitochondrial disorder; Mitochondrial disorders. Identifiers: Orphanet 68380, MedGen C0751651, MeSH D028361, MONDO:0044970.
Leigh syndrome (NULS). Also called: Leigh Syndrome (mtDNA deletion); LEIGH SYNDROME, NUCLEAR; Leigh's syndrome; Leigh's necrotizing encephalopathy; Leigh's disease; Leigh Disease. Identifiers: Orphanet 506, MedGen C2931891, MONDO:0009723, OMIM 256000.

Allele frequency attached by ClinVar (database versions not stated): TOPMed below 0.00001; gnomAD 0.00001; gnomAD exomes 0.00001 and 0.00003; ExAC 0.00002; ESP Exome Variant Server 0.00015.
gnomAD v4.1: 47 of 1,612,364 alleles (0.0029%); highest among the groups gnomAD compares: Non-Finnish European, 0.004%; no homozygotes.

Submissions (10):

Labcorp Genetics (formerly Invitae), Labcorp
Classification: Pathogenic. Last evaluated: 2026-01-26. Review status: criteria provided, single submitter. Criteria: Invitae Variant Classification Sherloc (09022015). Collection method: clinical testing. Allele origin: germline.
Comment: This sequence change affects an acceptor splice site in intron 1 of the NDUFS4 gene. It is expected to disrupt RNA splicing. Variants that disrupt the donor or acceptor splice site typically lead to a loss of protein function (PMID: 16199547), and loss-of-function variants in NDUFS4 are known to be pathogenic (PMID: 10944442, 16213125). This variant is present in population databases (rs376281345, gnomAD 0.003%). Disruption of this splice site has been observed in individual(s) with mitochondrial complex I deficiency (PMID: 12616398, 20818383). In at least one individual the data is consistent with being in trans (on the opposite chromosome) from a pathogenic variant. It has also been observed to segregate with disease in related individuals. This variant is also known as IVS1nt –1 (G→A). ClinVar contains an entry for this variant (Variation ID: 496165). Algorithms developed to predict the effect of sequence changes on RNA splicing suggest that this variant may disrupt the consensus splice site. For these reasons, this variant has been classified as Pathogenic.

Myriad Genetics, Inc.
Classification: Pathogenic for Mitochondrial complex I deficiency, nuclear type 1. Last evaluated: 2026-01-23. Review status: criteria provided, single submitter. Criteria: Myriad Autosomal Dominant, Autosomal Recessive and X-Linked Classification Criteria (2023). Collection method: clinical testing. Allele origin: unknown.
Comment: NM_002495.2(NDUFS4):c.99-1G>A is a variant in a canonical splice site classified as pathogenic in the context of mitochondrial complex I deficiency, NDUFS4-related. c.99-1G>A has been observed in cases with relevant disease (PMID: 12616398, 20818383). Relevant functional assessments of this variant are not available in the literature. c.99-1G>A has been observed in referenced population frequency databases. In summary, NM_002495.2(NDUFS4):c.99-1G>A is a variant in a canonical splice site in a gene where loss of function is a known mechanism of disease, is predicted to disrupt protein function, and has been observed more frequently in cases with the relevant disease than in healthy populations. Please note: this variant was assessed in the context of healthy population screening.

GeneDx
Classification: Pathogenic. Last evaluated: 2024-07-24. Review status: criteria provided, single submitter. Criteria: GeneDx Variant Classification Process June 2021. Collection method: clinical testing. Allele origin: germline. Affected: yes.
Comment: Canonical splice site variant predicted to result in a null allele in a gene for which loss of function is a known mechanism of disease; Not observed at significant frequency in large population cohorts (gnomAD); This variant is associated with the following publications: (PMID: 25525159, 16213125, 10944442, 22326555, 19107570, 20818383, 12616398)

Fulgent Genetics
Classification: Pathogenic for Mitochondrial complex I deficiency, nuclear type 1. Last evaluated: 2024-06-07. Review status: criteria provided, single submitter. Criteria: ACMG Guidelines, 2015. Collection method: clinical testing. Allele origin: germline.

Baylor Genetics
Classification: Pathogenic for Mitochondrial complex I deficiency, nuclear type 1. Last evaluated: 2023-06-21. Review status: criteria provided, single submitter. Criteria: ACMG Guidelines, 2015. Collection method: clinical testing. Allele origin: unknown.

Department of Pathology and Laboratory Medicine, Sinai Health System
Classification: Pathogenic for mitochondrial disease. Last evaluated: 2022-11-21. Review status: criteria provided, single submitter. Criteria: ACMG Guidelines, 2015. Collection method: research. Allele origin: germline.

Blueprint Genetics
Classification: Pathogenic for NDUFS4-related disorders. Last evaluated: 2022-07-17. Review status: criteria provided, single submitter. Criteria: ACMG Guidelines, 2015. Collection method: clinical testing. Allele origin: germline. Affected: yes. Observed: 2 variant alleles.

Women's Health and Genetics/Laboratory Corporation of America, LabCorp
Classification: Pathogenic for Leigh syndrome. Last evaluated: 2016-02-12. Review status: criteria provided, single submitter. Criteria: LabCorp Variant Classification Summary - May 2015. Collection method: clinical testing. Allele origin: germline.
Comment: Variant summary: The c.99-1G>A variant affects a conserved splice site nucleotide. One in-silico tool predicts damaging outcome for this variant. 5/5 programs in Alamut predict that this variant affects normal splicing, which is confirmed by RT-PCR in patients carrying this variant, showing the variant causes the complete skipping of exon 2. This variant is found in 2/120974 control chromosomes at a frequency of 0.0000165, which does not significantly exceed maximal expected frequency of a pathogenic allele (0.00125). In addition, reputable database classified this variant as pathogenic. Taken together, this variant was classified as pathogenic.

OMIM
Classification: Pathogenic for MITOCHONDRIAL COMPLEX I DEFICIENCY, NUCLEAR TYPE 1. Last evaluated: 2003-05-01. Review status: no assertion criteria provided. Collection method: literature only. Allele origin: germline. Not counted in ClinVar's aggregate classification.

Dr. Peter K. Rogan Lab, Western University
No classification provided (evidence only). Condition: Cervical cancer. Review status: no classification provided. Collection method: in vitro. Allele origin: not applicable. Functional consequence: skipped exon, retained intron. Not counted in ClinVar's aggregate classification.

Literature cited by the submitters: PubMed 16199547 (cited by Labcorp Genetics (formerly Invitae), Labcorp); PubMed 10944442 (cited by Labcorp Genetics (formerly Invitae), Labcorp); PubMed 16213125 (cited by Labcorp Genetics (formerly Invitae), Labcorp); PubMed 12616398 (cited by 4 submitters); PubMed 20818383 (cited by 3 submitters); PubMed 19107570 (cited by Women's Health and Genetics/Laboratory Corporation of America, LabCorp).